The following is an entry in ClinVar:

NM_002474.3(MYH11):c.4579-29T>C

Genes: MYH11 (myosin heavy chain 11; minus strand), NDE1 (nudE neurodevelopment protein 1; plus strand). Cytogenetic location: 16p13.11.
Variant type: single nucleotide variant.
Coding change: c.4579-29T>C on transcript NM_002474.3 (MANE Select); 29 bases into the intron before coding-DNA position 4579, T replaced by C.
Molecular consequence: intron variant.
Genome position (GRCh38, 1-based): chr16:15,721,080, A>G on the plus strand (T>C on the coding strand, the complement: MYH11 is on the minus strand). VCF-style: chr16-15721080-A-G. GRCh37 (hg19) VCF-style: chr16-15814937-A-G.
Other names: c.948-3111A>G (NM_001143979.2, NM_017668.3); c.4579-29T>C (NM_022844.3); c.4600-29T>C (NM_001040114.2, NM_001040113.2).
Identifiers: ClinVar variation 676576 (VCV000676576.2), dbSNP rs113126316, ClinGen allele CA7921623.
Genomic context (GRCh38, chr16:15,721,080, plus strand): 5'-AGGGCCCGCTTGGACTTCTCCAGCTCATGGACCTGCCGGCAGAGCGGGCAGCCCCATTCT[A>G]TGAGGCTCAACTTCATGAAGACGATTGAGAAACCCACCGTGAGCGGCACCTCAGGAGATC-3'

ClinVar aggregate classification (germline): Likely benign. Review status: criteria provided, multiple submitters, no conflicts (2 of 4 stars). 2 submissions from 2 submitters: Likely benign (2). Last evaluated 2018-06-14.

Allele frequency attached by ClinVar (database versions not stated): gnomAD 0.01032 and 0.01101; ESP Exome Variant Server 0.01093; 1000 Genomes Project 0.01198; 1000 Genomes Project 30x 0.01218; TOPMed 0.01252.
gnomAD v4.1: 3,202 of 1,610,310 alleles (0.2%); highest among the groups gnomAD compares: African/African-American, 3.6%; 59 homozygotes.

Submissions (2):

GeneDx
Classification: Likely benign. Last evaluated: 2018-06-14. Review status: criteria provided, single submitter. Criteria: GeneDx Variant Classification (06012015). Collection method: clinical testing. Allele origin: germline. Affected: yes.
Comment: This variant is considered likely benign or benign based on one or more of the following criteria: it is a conservative change, it occurs at a poorly conserved position in the protein, it is predicted to be benign by multiple in silico algorithms, and/or has population frequency not consistent with disease.

Breakthrough Genomics
Classification: Likely benign. Review status: criteria provided, single submitter. Criteria: ACMG Guidelines, 2015. Collection method: not provided. Allele origin: germline. Inheritance: Autosomal recessive inheritance. Affected: yes.